The following is an entry in ClinVar:

ClinVar aggregate classification (germline): Conflicting classifications of pathogenicity. Review status: criteria provided, conflicting classifications (1 of 4 stars). 9 submissions from 9 submitters: Uncertain significance (6); Likely benign (1). 2 of the submissions do not count toward it. Last evaluated 2026-09-01.

Conditions:
Spastic paraplegia. Identifiers: MedGen C0037772, HP:0001258.
Hereditary spastic paraplegia. Also called: Familial spastic paraparesis. Identifiers: Orphanet 685, MedGen C0037773, MONDO:0019064. Disease mechanism: loss of function.

Allele frequency attached by ClinVar (database versions not stated): TOPMed 0.00015; gnomAD exomes 0.00016 and 0.00021; gnomAD 0.00017 and 0.00018; ExAC 0.00019; 1000 Genomes Project 0.00020; 1000 Genomes Project 30x 0.00031; ESP Exome Variant Server 0.00031.
gnomAD v4.1: 260 of 1,613,938 alleles (0.016%); highest among the groups gnomAD compares: Admixed American, 0.033%; no homozygotes.

Submissions (9):

CeGaT Center for Human Genetics Tuebingen
Classification: Uncertain significance. Last evaluated: 2026-09-01. Review status: criteria provided, single submitter. Criteria: CeGaT Center For Human Genetics Tuebingen Variant Classification Criteria Version 2. Collection method: clinical testing. Allele origin: germline. Affected: yes. Observed: 4 variant alleles.
Comment: FA2H: PM2, BP4

Labcorp Genetics (formerly Invitae), Labcorp
Classification: Likely benign for Spastic paraplegia. Last evaluated: 2026-01-13. Review status: criteria provided, single submitter. Criteria: Invitae Variant Classification Sherloc (09022015). Collection method: clinical testing. Allele origin: germline.

GeneDx
Classification: Uncertain significance. Last evaluated: 2025-09-17. Review status: criteria provided, single submitter. Criteria: GeneDx Variant Classification Process June 2021. Collection method: clinical testing. Allele origin: germline. Affected: yes.
Comment: In silico analysis suggests that this missense variant does not alter protein structure/function; This variant is associated with the following publications: (PMID: 24359114, 37133535)

Blueprint Genetics
Classification: Uncertain significance. Last evaluated: 2024-09-18. Review status: criteria provided, single submitter. Criteria: ACMG Guidelines, 2015. Collection method: clinical testing. Allele origin: germline.

Mayo Clinic Laboratories, Mayo Clinic
Classification: Uncertain significance. Last evaluated: 2022-05-05. Review status: criteria provided, single submitter. Criteria: ACMG Guidelines, 2015. Collection method: clinical testing. Allele origin: germline. Observed: 1 variant allele.
Comment: BP4

Genome Diagnostics Laboratory, The Hospital for Sick Children
Classification: Uncertain significance for Hereditary spastic paraplegia. Last evaluated: 2016-12-12. Review status: criteria provided, single submitter. Criteria: ACMG Guidelines, 2015. Collection method: clinical testing. Allele origin: germline. Affected: yes.

Athena Diagnostics
Classification: Uncertain significance. Last evaluated: 2016-08-12. Review status: criteria provided, single submitter. Criteria: Athena Diagnostics Criteria. Collection method: clinical testing. Allele origin: germline.

Clinical Genetics DNA and cytogenetics Diagnostics Lab, Erasmus MC, Erasmus Medical Center
Classification: Uncertain significance. Review status: no assertion criteria provided. Collection method: clinical testing. Allele origin: germline. Affected: yes. Study: VKGL Data-share Consensus. Not counted in ClinVar's aggregate classification.

Joint Genome Diagnostic Labs from Nijmegen and Maastricht, Radboudumc and MUMC+
Classification: Uncertain significance. Review status: no assertion criteria provided. Collection method: clinical testing. Allele origin: germline. Affected: yes. Study: VKGL Data-share Consensus. Not counted in ClinVar's aggregate classification.

NM_024306.5(FA2H):c.925G>A (p.Val309Ile)

Gene: FA2H (fatty acid 2-hydroxylase; minus strand). Cytogenetic location: 16q23.1.
Variant type: single nucleotide variant.
Coding change: c.925G>A on transcript NM_024306.5 (MANE Select); coding-DNA position 925, G replaced by A.
Protein change: p.Val309Ile; replaces valine 309 with isoleucine.
Molecular consequence: missense variant.
Genome position (GRCh38, 1-based): chr16:74,716,461, C>T on the plus strand (G>A on the coding strand, the complement: FA2H is on the minus strand). VCF-style: chr16-74716461-C-T. GRCh37 (hg19) VCF-style: chr16-74750359-C-T.
Other names: short protein forms V309I.
Identifiers: ClinVar variation 447318 (VCV000447318.56), dbSNP rs150427439, ClinGen allele CA8170349.